The following is an entry in ClinVar:

NM_000051.4(ATM):c.5071A>G (p.Ser1691Gly)

Gene: ATM (ATM serine/threonine kinase; plus strand). Cytogenetic location: 11q22.3.
Variant type: single nucleotide variant.
Coding change: c.5071A>G on transcript NM_000051.4 (MANE Select); coding-DNA position 5071, A replaced by G.
Protein change: p.Ser1691Gly; replaces serine 1691 with glycine.
Molecular consequence: missense variant.
Genome position (GRCh38, 1-based): chr11:108,299,779, A>G. VCF-style: chr11-108299779-A-G. GRCh37 (hg19) VCF-style: chr11-108170506-A-G.
Other names: c.5071A>G, p.Ser1691Gly (NM_001351834.2); c.5071A>G (NM_000051.3); short protein forms S1691G.
Identifiers: ClinVar variation 1037375 (VCV001037375.10), dbSNP rs1800059, ClinGen allele CA382540563.

ClinVar aggregate classification (germline): Conflicting classifications of pathogenicity. Review status: criteria provided, conflicting classifications (1 of 4 stars). 2 submissions from 2 submitters: Uncertain significance (1); Likely benign (1). Last evaluated 2026-06-26.

Conditions:
Ataxia-telangiectasia syndrome (AT). Also called: Ataxia telangiectasia (A-T); Cerebello-oculocutaneous telangiectasia; Immunodeficiency with ataxia telangiectasia; Ataxia-telangiectasia, complementation group E; LOUIS-BAR SYNDROME; Ataxia-telangiectasia. Identifiers: Orphanet 100, MedGen C0004135, MONDO:0008840, OMIM 208900.
Hereditary cancer-predisposing syndrome. Also called: Tumor predisposition; Hereditary Cancer Syndrome; Hereditary neoplastic syndrome; Neoplastic Syndromes, Hereditary. Identifiers: Orphanet 140162, MedGen C0027672, MeSH D009386, MONDO:0015356.

gnomAD v4.1: 4 of 1,614,058 alleles (0.00025%); highest among the groups gnomAD compares: Non-Finnish European, 0.00034%; no homozygotes.

Submissions (2):

Ambry Genetics
Classification: Likely benign for Hereditary cancer-predisposing syndrome. Last evaluated: 2026-06-26. Review status: criteria provided, single submitter. Criteria: Ambry Variant Classification Scheme 2023. Collection method: clinical testing. Allele origin: germline.

Labcorp Genetics (formerly Invitae), Labcorp
Classification: Uncertain significance for Ataxia-telangiectasia syndrome. Last evaluated: 2024-11-09. Review status: criteria provided, single submitter. Criteria: Invitae Variant Classification Sherloc (09022015). Collection method: clinical testing. Allele origin: germline.
Comment: This sequence change replaces serine, which is neutral and polar, with glycine, which is neutral and non-polar, at codon 1691 of the ATM protein (p.Ser1691Gly). This variant is not present in population databases (gnomAD no frequency). This variant has not been reported in the literature in individuals affected with ATM-related conditions. ClinVar contains an entry for this variant (Variation ID: 1037375). Invitae Evidence Modeling of protein sequence and biophysical properties (such as structural, functional, and spatial information, amino acid conservation, physicochemical variation, residue mobility, and thermodynamic stability) indicates that this missense variant is not expected to disrupt ATM protein function with a negative predictive value of 95%. In summary, the available evidence is currently insufficient to determine the role of this variant in disease. Therefore, it has been classified as a Variant of Uncertain Significance.